The following is an entry in ClinVar:

NC_000019.10:g.(?_43506840)_(43527187_?)del

Gene: ETHE1 (ETHE1 persulfide dioxygenase; minus strand). Cytogenetic location: 19q13.31.
Variant type: Deletion.
Identifiers: ClinVar variation 832480 (VCV000832480.5).

ClinVar aggregate classification (germline): Pathogenic (1 of 4 stars; one submission).

Conditions:
Ethylmalonic encephalopathy (EE). Also called: Syndrome of encephalopathy, petechiae, and ethylmalonic aciduria; EPEMA syndrome; Encephalopathy, petechiae, and ethylmalonic aciduria. Identifiers: Orphanet 51188, MedGen C1865349, MONDO:0011229, OMIM 602473. Disease mechanism: loss of function.

Submission:

Labcorp Genetics (formerly Invitae), Labcorp
Classification: Pathogenic for Ethylmalonic encephalopathy. Last evaluated: 2022-06-10. Review status: criteria provided, single submitter. Criteria: Invitae Variant Classification Sherloc (09022015). Collection method: clinical testing. Allele origin: germline.
Comment: A gross deletion of the genomic region encompassing the full coding sequence of the ETHE1 gene has been identified. Loss-of-function variants in ETHE1 are known to be pathogenic (PMID: 14732903, 19136963). The boundaries of this event are unknown as they extend beyond the assayed region for this gene and therefore may encompass additional genes. This variant has not been reported in the literature in individuals affected with ETHE1-related conditions. For these reasons, this variant has been classified as Pathogenic.

Literature cited by the submitters: PubMed 14732903; PubMed 19136963.